The following is an entry in ClinVar:

ClinVar aggregate classification (germline): Uncertain significance (1 of 4 stars; one submission).

Submission:

Women's Health and Genetics/Laboratory Corporation of America, LabCorp
Classification: Uncertain significance. Last evaluated: 2025-12-30. Review status: criteria provided, single submitter. Criteria: LabCorp Variant Classification Summary - May 2015. Collection method: clinical testing. Allele origin: germline.
Comment: Variant summary: MFF c.794C>T (p.Pro265Leu) results in a non-conservative amino acid change in the encoded protein sequence. Algorithms developed to predict the effect of missense changes on protein structure and function are either unavailable or do not agree on the potential impact of this missense change. The variant allele was found at a frequency of 4e-06 in 251308 control chromosomes. The available data on variant occurrences in the general population are insufficient to allow any conclusion about variant significance. To our knowledge, no occurrence of c.794C>T in individuals affected with MFF-related conditions and no experimental evidence demonstrating its impact on protein function have been reported. No submitters have cited clinical-significance assessments for this variant to ClinVar. Based on the evidence outlined above, the variant was classified as uncertain significance.

NM_001277062.2(MFF):c.641C>T (p.Pro214Leu)

Gene: MFF (mitochondrial fission factor; plus strand). Cytogenetic location: 2q36.3.
Variant type: single nucleotide variant.
Coding change: c.641C>T on transcript NM_001277062.2 (MANE Select); coding-DNA position 641, C replaced by T.
Protein change: p.Pro214Leu; replaces proline 214 with leucine.
Molecular consequence: missense variant. On other transcripts: intron variant (4).
Genome position (GRCh38, 1-based): chr2:227,352,555, C>T. VCF-style: chr2-227352555-C-T. GRCh37 (hg19) VCF-style: chr2-228217271-C-T.
Other names: c.794C>T, p.Pro265Leu (NM_001277061.2, NM_020194.5); c.482C>T, p.Pro161Leu (NM_001277064.2); c.524C>T, p.Pro175Leu (NM_001277068.1); c.516-3122C>T (NM_001277063.2); c.441-3122C>T (NM_001277065.2, NM_001277066.2); c.450-3122C>T (NM_001277067.1); short protein forms P161L, P175L, P214L, P265L.
Identifiers: ClinVar variation 4688257 (VCV004688257.1).